The following is an entry in ClinVar:

NM_015981.4(CAMK2A):c.789C>T (p.Ala263=)

Gene: CAMK2A (calcium/calmodulin dependent protein kinase II alpha; minus strand). Cytogenetic location: 5q32.
Variant type: single nucleotide variant.
Coding change: c.789C>T on transcript NM_015981.4 (MANE Select); coding-DNA position 789, C replaced by T.
Protein change: p.Ala263=; no amino-acid change (alanine 263 retained).
Molecular consequence: synonymous variant.
Genome position (GRCh38, 1-based): chr5:150,250,715, G>A on the plus strand (C>T on the coding strand, the complement: CAMK2A is on the minus strand). VCF-style: chr5-150250715-G-A. GRCh37 (hg19) VCF-style: chr5-149630278-G-A.
Other names: c.789C>T, p.Ala263= (NM_001363989.1, NM_001363990.1, NM_001369025.2 and 1 more transcripts).
Identifiers: ClinVar variation 5040864 (VCV005040864.1).

ClinVar aggregate classification (germline): Likely benign (1 of 4 stars; one submission).

gnomAD v4.1: 236 of 1,614,074 alleles (0.015%); highest among the groups gnomAD compares: African/African-American, 0.24%; no homozygotes.

Submission:

CeGaT Center for Human Genetics Tuebingen
Classification: Likely benign. Last evaluated: 2026-09-01. Review status: criteria provided, single submitter. Criteria: CeGaT Center For Human Genetics Tuebingen Variant Classification Criteria Version 2. Collection method: clinical testing. Allele origin: germline. Affected: yes. Observed: 1 variant allele.
Comment: CAMK2A: BP4, BP7